The following is an entry in ClinVar:

ClinVar aggregate classification (germline): Uncertain significance (1 of 4 stars; one submission).

Allele frequency attached by ClinVar (database versions not stated): TOPMed below 0.00001.

Submission:

CeGaT Center for Human Genetics Tuebingen
Classification: Uncertain significance. Last evaluated: 2022-07-01. Review status: criteria provided, single submitter. Criteria: CeGaT Center For Human Genetics Tuebingen Variant Classification Criteria Version 2. Collection method: clinical testing. Allele origin: germline. Affected: yes. Observed: 1 variant allele.
Comment: FAT1: PM2

NM_005245.4(FAT1):c.1178C>T (p.Pro393Leu)

Gene: FAT1 (FAT atypical cadherin 1; minus strand). Cytogenetic location: 4q35.2.
Variant type: single nucleotide variant.
Coding change: c.1178C>T on transcript NM_005245.4 (MANE Select); coding-DNA position 1178, C replaced by T.
Protein change: p.Pro393Leu; replaces proline 393 with leucine.
Molecular consequence: missense variant.
Genome position (GRCh38, 1-based): chr4:186,708,650, G>A on the plus strand (C>T on the coding strand, the complement: FAT1 is on the minus strand). VCF-style: chr4-186708650-G-A. GRCh37 (hg19) VCF-style: chr4-187629804-G-A.
Other names: short protein forms P393L.
Identifiers: ClinVar variation 2655234 (VCV002655234.24), dbSNP rs1744774181, ClinGen allele CA358989690.